The following is an entry in ClinVar:

ClinVar aggregate classification (germline): Conflicting classifications of pathogenicity. Review status: criteria provided, conflicting classifications (1 of 4 stars). 4 submissions from 4 submitters: Uncertain significance (1); Likely benign (2). 1 of the submissions does not count toward it. Last evaluated 2026-01-12.

Conditions:
DGUOK-related disorder. Also called: DGUOK-related condition.

Allele frequency attached by ClinVar (database versions not stated): 1000 Genomes Project 30x 0.00016; 1000 Genomes Project 0.00020; ESP Exome Variant Server 0.00023; TOPMed 0.00027; gnomAD 0.00029 and 0.00031.
gnomAD v4.1: 658 of 1,613,940 alleles (0.041%); highest among the groups gnomAD compares: Admixed American, 0.062%; no homozygotes.

Submissions (4):

Labcorp Genetics (formerly Invitae), Labcorp
Classification: Likely benign. Last evaluated: 2026-01-12. Review status: criteria provided, single submitter. Criteria: Invitae Variant Classification Sherloc (09022015). Collection method: clinical testing. Allele origin: germline.

GeneDx
Classification: Likely benign. Last evaluated: 2019-11-14. Review status: criteria provided, single submitter. Criteria: GeneDx Variant Classification Process June 2021. Collection method: clinical testing. Allele origin: germline. Affected: yes.

Eurofins Ntd Llc (ga)
Classification: Uncertain significance. Last evaluated: 2018-01-30. Review status: criteria provided, single submitter. Criteria: EGL Classification Definitions 2015. Collection method: clinical testing. Allele origin: germline. Observed: 3 variant alleles, 3 heterozygotes.

PreventionGenetics, part of Exact Sciences
Classification: Likely benign for DGUOK-related condition. Last evaluated: 2019-03-20. Review status: no assertion criteria provided. Collection method: clinical testing. Allele origin: germline. Not counted in ClinVar's aggregate classification.
Comment: This variant is classified as likely benign based on ACMG/AMP sequence variant interpretation guidelines (Richards et al. 2015 PMID: 25741868, with internal and published modifications).

NM_080916.3(DGUOK):c.256-7C>T

Gene: DGUOK (deoxyguanosine kinase; plus strand). Cytogenetic location: 2p13.1.
Variant type: single nucleotide variant.
Coding change: c.256-7C>T on transcript NM_080916.3 (MANE Select); 7 bases into the intron before coding-DNA position 256, C replaced by T.
Molecular consequence: intron variant.
Genome position (GRCh38, 1-based): chr2:73,946,712, C>T. VCF-style: chr2-73946712-C-T. GRCh37 (hg19) VCF-style: chr2-74173839-C-T.
Other names: c.256-7C>T (NM_080916.2, NM_080918.3, NM_001318859.2); c.-36-7C>T (NM_001318861.2, NM_001318862.2, NM_001318860.2 and 1 more transcripts).
Identifiers: ClinVar variation 289982 (VCV000289982.18), dbSNP rs199531052, ClinGen allele CA1718216.
Genomic context (GRCh38, chr2:73,946,712, plus strand): 5'-AGGGGTGTACCCCATGGAGTAAATATGCTTTCTAGGAAATTTTCTTCTTTTTTTCATCTC[C>T]CTCTAGGCCTGCACTGCCCAAAGTCTTGGAAACTTGCTGGATATGATGTACCGGGAGCCA-3'